The following is an entry in ClinVar:

NM_016247.4(IMPG2):c.674A>G (p.Asn225Ser)

Gene: IMPG2 (interphotoreceptor matrix proteoglycan 2; minus strand). Cytogenetic location: 3q12.3.
Variant type: single nucleotide variant.
Coding change: c.674A>G on transcript NM_016247.4 (MANE Select); coding-DNA position 674, A replaced by G.
Protein change: p.Asn225Ser; replaces asparagine 225 with serine.
Molecular consequence: missense variant.
Genome position (GRCh38, 1-based): chr3:101,273,735, T>C on the plus strand (A>G on the coding strand, the complement: IMPG2 is on the minus strand). VCF-style: chr3-101273735-T-C. GRCh37 (hg19) VCF-style: chr3-100992579-T-C.
Other names: short protein forms N225S.
Identifiers: ClinVar variation 4275329 (VCV004275329.2).

ClinVar aggregate classification (germline): Uncertain significance. Review status: criteria provided, multiple submitters, no conflicts (2 of 4 stars). 2 submissions from 2 submitters: Uncertain significance (2). Last evaluated 2025-08-20.

Conditions:
Inborn genetic diseases. Identifiers: MedGen C0950123, MeSH D030342.

gnomAD v4.1: 1 of 1,613,836 alleles (0.000062%); highest among the groups gnomAD compares: African/African-American, 0.0013%; no homozygotes.

Submissions (2):

Ambry Genetics
Classification: Uncertain significance for Inborn genetic diseases. Last evaluated: 2025-08-20. Review status: criteria provided, single submitter. Criteria: Ambry Variant Classification Scheme 2023. Collection method: clinical testing. Allele origin: germline.

GeneDx
Classification: Uncertain significance. Last evaluated: 2025-06-30. Review status: criteria provided, single submitter. Criteria: GeneDx Variant Classification Process June 2021. Collection method: clinical testing. Allele origin: germline. Affected: yes.
Comment: In silico analysis supports that this missense variant has a deleterious effect on protein structure/function; Has not been previously published as pathogenic or benign to our knowledge